The following is an entry in ClinVar:

NM_015506.3(MMACHC):c.419G>A (p.Trp140Ter)

Gene: MMACHC (metabolism of cobalamin associated C; plus strand). Cytogenetic location: 1p34.1.
Variant type: single nucleotide variant.
Coding change: c.419G>A on transcript NM_015506.3 (MANE Select); coding-DNA position 419, G replaced by A.
Protein change: p.Trp140Ter; replaces tryptophan 140 with a stop codon.
Molecular consequence: nonsense.
Genome position (GRCh38, 1-based): chr1:45,508,354, G>A. VCF-style: chr1-45508354-G-A. GRCh37 (hg19) VCF-style: chr1-45974026-G-A.
Other names: c.248G>A, p.Trp83Ter (NM_001330540.2); short protein forms W83*, W140*.
Identifiers: ClinVar variation 1446343 (VCV001446343.4), dbSNP rs2149323618, ClinGen allele CA340132502.

ClinVar aggregate classification (germline): Pathogenic (1 of 4 stars; one submission).

Conditions:
Cobalamin C disease. Also called: Methylmalonic aciduria and homocystinuria, Vitamin B12-responsive; Vitamin B12 metabolic defect with combined deficiency of methylmalonyl-CoA mutase and homocysteine:methyltetrahydrofolate methyltransferase; Cobalamin-C methylmalonic acidemia and homocystinuria; Methylmalonic acidemia and homocystinuria cblC type; methylmalonic aciduria and homocystinuria type cblC; Methylmalonic aciduria with homocystinuria cblC type. Identifiers: Orphanet 26, Orphanet 79282, MedGen C1848561, MONDO:0010184, OMIM 277400.

Submission:

Labcorp Genetics (formerly Invitae), Labcorp
Classification: Pathogenic for Cobalamin C disease. Last evaluated: 2025-09-15. Review status: criteria provided, single submitter. Criteria: Invitae Variant Classification Sherloc (09022015). Collection method: clinical testing. Allele origin: germline.
Comment: This sequence change creates a premature translational stop signal (p.Trp140*) in the MMACHC gene. While this is not anticipated to result in nonsense mediated decay, it is expected to disrupt the last 143 amino acid(s) of the MMACHC protein. This variant is not present in population databases (gnomAD no frequency). This variant has not been reported in the literature in individuals affected with MMACHC-related conditions. ClinVar contains an entry for this variant (Variation ID: 1446343). This variant disrupts a region of the MMACHC protein in which other variant(s) (p.Trp203*) have been determined to be pathogenic (PMID: 16311595, 23954310, 25772322). This suggests that this is a clinically significant region of the protein, and that variants that disrupt it are likely to be disease-causing. For these reasons, this variant has been classified as Pathogenic.

Literature cited by the submitters: PubMed 16311595; PubMed 23954310; PubMed 25772322.